The following is an entry in ClinVar:

NM_015202.5(KATNIP):c.367C>T (p.Arg123Trp)

Gene: KATNIP (katanin interacting protein; plus strand). Cytogenetic location: 16p12.1.
Variant type: single nucleotide variant.
Coding change: c.367C>T on transcript NM_015202.5 (MANE Select); coding-DNA position 367, C replaced by T.
Protein change: p.Arg123Trp; replaces arginine 123 with tryptophan.
Molecular consequence: missense variant.
Genome position (GRCh38, 1-based): chr16:27,631,121, C>T. VCF-style: chr16-27631121-C-T. GRCh37 (hg19) VCF-style: chr16-27642442-C-T.
Other names: c.367C>T (NM_015202.2); short protein forms R123W.
Identifiers: ClinVar variation 2079181 (VCV002079181.5), dbSNP rs187220970, ClinGen allele CA7977295.

ClinVar aggregate classification (germline): Uncertain significance. Review status: criteria provided, multiple submitters, no conflicts (2 of 4 stars). 2 submissions from 2 submitters: Uncertain significance (2). Last evaluated 2025-09-28.

Allele frequency attached by ClinVar (database versions not stated): gnomAD 0.00001; gnomAD exomes 0.00002; TOPMed 0.00002; ESP Exome Variant Server 0.00008; 1000 Genomes Project 30x 0.00016; 1000 Genomes Project 0.00020.
gnomAD v4.1: 30 of 1,577,386 alleles (0.0019%); highest among the groups gnomAD compares: East Asian, 0.0046%; no homozygotes.

Submissions (2):

Ambry Genetics
Classification: Uncertain significance. Last evaluated: 2025-09-28. Review status: criteria provided, single submitter. Criteria: Ambry Variant Classification Scheme 2023. Collection method: clinical testing. Allele origin: germline.

Labcorp Genetics (formerly Invitae), Labcorp
Classification: Uncertain significance. Last evaluated: 2025-04-14. Review status: criteria provided, single submitter. Criteria: Invitae Variant Classification Sherloc (09022015). Collection method: clinical testing. Allele origin: germline.
Comment: This sequence change replaces arginine, which is basic and polar, with tryptophan, which is neutral and slightly polar, at codon 123 of the KIAA0556 protein (p.Arg123Trp). The frequency data for this variant in the population databases is considered unreliable, as metrics indicate poor data quality at this position in the gnomAD database. This variant has not been reported in the literature in individuals affected with KIAA0556-related conditions. ClinVar contains an entry for this variant (Variation ID: 2079181). An algorithm developed to predict the effect of missense changes on protein structure and function (PolyPhen-2) suggests that this variant is likely to be disruptive. In summary, the available evidence is currently insufficient to determine the role of this variant in disease. Therefore, it has been classified as a Variant of Uncertain Significance.